The following is an entry in ClinVar:

NM_000273.3(GPR143):c.397T>C (p.Trp133Arg)

Gene: GPR143 (G protein-coupled receptor 143; minus strand). Cytogenetic location: Xp22.2.
Variant type: single nucleotide variant.
Coding change: c.397T>C on transcript NM_000273.3 (MANE Select); coding-DNA position 397, T replaced by C.
Protein change: p.Trp133Arg; replaces tryptophan 133 with arginine.
Molecular consequence: missense variant.
Genome position (GRCh38, 1-based): chrX:9,759,390, A>G on the plus strand (T>C on the coding strand, the complement: GPR143 is on the minus strand). VCF-style: chrX-9759390-A-G. GRCh37 (hg19) VCF-style: chrX-9727430-A-G.
Other names: short protein forms W133R.
Identifiers: ClinVar variation 10516 (VCV000010516.2), dbSNP rs137852296, ClinGen allele CA226181.

ClinVar aggregate classification (germline): Likely pathogenic. Review status: criteria provided, single submitter (1 of 4 stars). 3 submissions from 3 submitters: Likely pathogenic (1). 2 of the submissions do not count toward it. Last evaluated 2025-01-01.

Conditions:
Ocular albinism, type I (OA1). Also called: X-linked recessive ocular albinism; NETTLESHIP-FALLS TYPE OCULAR ALBINISM; Ocular albinism, type I, Nettleship-Falls type; Ocular Albinism type 1. Identifiers: Orphanet 54, MedGen C0342684, MONDO:0021019, OMIM 300500.
Nystagmus 6, congenital, X-linked (NYS6). Identifiers: MedGen C3151752, MONDO:0010435, OMIM 300814.

Submissions (3):

Laboratory of Genetic Epidemiology, Research Centre for Medical Genetics
Classification: Likely pathogenic for Nystagmus 6, congenital, X-linked; Ocular albinism, type I. Last evaluated: 2025-01-01. Review status: criteria provided, single submitter. Criteria: ACMG Guidelines, 2015. Collection method: clinical testing. Allele origin: unknown. Inheritance: Autosomal recessive inheritance. Affected: yes. Observed: 1 hemizygote.
Comment: This variant has been previously reported in the literature (PMID: 9529334), and is not listed in gnomAD v3.1.2. The affected amino acid position is evolutionarily conserved, results in altered glycosylation pattern and subcellular localization consistent with protein retention in the endoplasmic reticulum. Multiple in silico prediction tools support a deleterious effect. Taken together, the variant meets the following ACMG/AMP criteria and can be classified as likely pathogenic with PM2, PP3, PS3, PP5 criteria.

OMIM
Classification: Pathogenic for ALBINISM, OCULAR, TYPE I. Last evaluated: 1998-04-01. Review status: no assertion criteria provided. Collection method: literature only. Allele origin: germline. Not counted in ClinVar's aggregate classification.

Retina International
No classification provided. Review status: no classification provided. Collection method: not provided. Allele origin: not provided. Not counted in ClinVar's aggregate classification.

Literature cited by the submitters: PubMed 9529334 (cited by Laboratory of Genetic Epidemiology, Research Centre for Medical Genetics and OMIM); PubMed 41428507 (cited by Laboratory of Genetic Epidemiology, Research Centre for Medical Genetics).